The following is an entry in ClinVar:

ClinVar aggregate classification (germline): Conflicting classifications of pathogenicity. Review status: criteria provided, conflicting classifications (1 of 4 stars). 8 submissions from 8 submitters: Uncertain significance (5); Likely benign (3). Last evaluated 2026-07-06.

Conditions:
Osteogenesis imperfecta type I (OI1). Also called: OI, TYPE I; OSTEOGENESIS IMPERFECTA TARDA; OSTEOGENESIS IMPERFECTA WITH BLUE SCLERAE; Osteogenesis imperfecta type 1; Lobstein disease; Lobstein's Disease. Identifiers: Orphanet 216796, Orphanet 666, MedGen C0023931, MONDO:0008146, OMIM 166200. Disease mechanism: loss of function.
Combined osteogenesis imperfecta and Ehlers-Danlos syndrome 1. Also called: OIEDS SYNDROME 1. Identifiers: MedGen C5436842, MONDO:0030854, OMIM 619115.
Infantile cortical hyperostosis. Also called: Caffey Disease; Hyperostosis, Cortical, Congenital; P1PK BLOOD GROUP SYSTEM, P(2) PHENOTYPE. Identifiers: Orphanet 1310, MedGen C0020497, MONDO:0007244, OMIM 114000.
Osteogenesis imperfecta type III (OI3). Also called: Osteogenesis imperfecta type 3; OI type 3; Osteogenesis imperfecta, progressively deforming with normal sclerae; OI type III; Progressively Deforming Osteogenesis Imperfecta. Identifiers: Orphanet 216812, Orphanet 666, MedGen C0268362, MONDO:0009804, OMIM 259420.
Osteogenesis imperfecta, perinatal lethal (OI2). Also called: Osteogenesis imperfecta type 2; OI, TYPE II; OSTEOGENESIS IMPERFECTA CONGENITA; VROLIK TYPE OF OSTEOGENESIS IMPERFECTA; OSTEOGENESIS IMPERFECTA, TYPE II; Osteogenesis imperfecta, dominant perinatal lethal. Identifiers: Orphanet 216804, MedGen C0268358, MONDO:0008147, OMIM 166210.
Osteogenesis imperfecta with normal sclerae, dominant form (OI4). Also called: Osteogenesis Imperfecta Type IV; OSTEOGENESIS IMPERFECTA WITH NORMAL SCLERAE; Osteogenesis imperfecta type 4; OSTEOGENESIS IMPERFECTA, TYPE IV, WITH DENTINOGENESIS IMPERFECTA; Common Variable Osteogenesis Imperfecta with Normal Sclerae. Identifiers: Orphanet 216820, Orphanet 666, MedGen C0268363, MONDO:0008148, OMIM 166220.
Osteoporosis. Identifiers: MedGen C0029456, MONDO:0005298, OMIM 166710, HP:0000939.
Ehlers-Danlos syndrome, arthrochalasia type. Also called: Ehlers-Danlos syndrome, arthrochalasis type; ARTHROCHALASIS MULTIPLEX CONGENITA; EDS VII, MUTANT PROCOLLAGEN TYPE; EDS VIIA; Ehlers-Danlos syndrome, arthrochalasia type, 1. Identifiers: Orphanet 1899, Orphanet 99875, Orphanet 99876, MedGen C4551623, MONDO:0007525, OMIM 130060.
Cardiovascular phenotype. Identifiers: MedGen CN230736.
COL1A1-related disorder. Also called: COL1A1- related disease; COL1A1-related condition.

Allele frequency attached by ClinVar (database versions not stated): ExAC 0.00002; gnomAD exomes 0.00002; TOPMed 0.00002; gnomAD 0.00004; ESP Exome Variant Server 0.00008.
gnomAD v4.1: 33 of 1,614,066 alleles (0.002%); highest among the groups gnomAD compares: Middle Eastern, 0.049%; no homozygotes.

Submissions (8):

PreventionGenetics, part of Exact Sciences
Classification: Uncertain significance for COL1A1-related condition. Last evaluated: 2026-07-06. Review status: criteria provided, single submitter. Criteria: ACMG Guidelines, 2015. Collection method: clinical testing. Allele origin: germline.
Comment: The COL1A1 c.125A>G variant is predicted to result in the amino acid substitution p.Gln42Arg. This variant has been reported along with a missense variant in COL11A1 in an individual with an unclassified form of syndromic joint hypermobility (individual P-0058 in Table S3, Leone et al. 2023. PubMed ID: 37079061). This variant is reported in 0.0046% of alleles in individuals of European (Non-Finnish) descent in gnomAD. At this time, the clinical significance of this variant is uncertain due to the absence of conclusive functional and genetic evidence.

Women's Health and Genetics/Laboratory Corporation of America, LabCorp
Classification: Uncertain significance. Last evaluated: 2025-04-16. Review status: criteria provided, single submitter. Criteria: LabCorp Variant Classification Summary - May 2015. Collection method: clinical testing. Allele origin: germline.
Comment: Variant summary: COL1A1 c.125A>G (p.Gln42Arg) results in a conservative amino acid change in the encoded protein sequence. Five of five in-silico tools predict a benign effect of the variant on protein function. The variant allele was found at a frequency of 2e-05 in 251340 control chromosomes. The available data on variant occurrences in the general population are insufficient to allow any conclusion about variant significance. c.125A>G has been reported as a VUS in a heterozygous individual affected with an unclassified form of syndromic joint hypermobility, however the parent carrying the variant was unaffected (Leone_2023). This report does not provide unequivocal conclusions about association of the variant with Osteogenesis imperfecta type I orother COL1A1-related disorders. To our knowledge, no experimental evidence demonstrating an impact on protein function has been reported. The following publication has been ascertained in the context of this evaluation (PMID: 37079061). ClinVar contains an entry for this variant (Variation ID: 658410). Based on the evidence outlined above, the variant was classified as uncertain significance.

Blueprint Genetics
Classification: Likely benign. Last evaluated: 2024-09-16. Review status: criteria provided, single submitter. Criteria: ACMG Guidelines, 2015. Collection method: clinical testing. Allele origin: germline.

Fulgent Genetics
Classification: Uncertain significance for Infantile cortical hyperostosis; Ehlers-Danlos syndrome, arthrochalasia type; Osteogenesis imperfecta type I; Osteogenesis imperfecta, perinatal lethal; Osteogenesis imperfecta with normal sclerae, dominant form; Osteoporosis; Osteogenesis imperfecta type III; Combined osteogenesis imperfecta and Ehlers-Danlos syndrome 1. Last evaluated: 2024-01-02. Review status: criteria provided, single submitter. Criteria: ACMG Guidelines, 2015. Collection method: clinical testing. Allele origin: germline.

Ambry Genetics
Classification: Uncertain significance for Cardiovascular phenotype. Last evaluated: 2023-10-17. Review status: criteria provided, single submitter. Criteria: Ambry Variant Classification Scheme 2023. Collection method: clinical testing. Allele origin: germline.
Comment: The p.Q42R variant (also known as c.125A>G), located in coding exon 2 of the COL1A1 gene, results from an A to G substitution at nucleotide position 125. The glutamine at codon 42 is replaced by arginine, an amino acid with highly similar properties. This amino acid position is not well conserved in available vertebrate species. In addition, this alteration is predicted to be tolerated by in silico analysis. Since supporting evidence is limited at this time, the clinical significance of this alteration remains unclear.

Labcorp Genetics (formerly Invitae), Labcorp
Classification: Likely benign for Osteogenesis imperfecta type I. Last evaluated: 2023-08-28. Review status: criteria provided, single submitter. Criteria: Invitae Variant Classification Sherloc (09022015). Collection method: clinical testing. Allele origin: germline.

GeneDx
Classification: Likely benign. Last evaluated: 2019-03-20. Review status: criteria provided, single submitter. Criteria: GeneDx Variant Classification Process June 2021. Collection method: clinical testing. Allele origin: germline. Affected: yes.
Comment: See Variant Classification Assertion Criteria.

Breakthrough Genomics
Classification: Uncertain significance. Review status: criteria provided, single submitter. Criteria: ACMG Guidelines, 2015. Collection method: not provided. Allele origin: germline. Inheritance: Autosomal dominant inheritance. Affected: yes.

Literature cited by the submitters: PubMed 37079061 (cited by Women's Health and Genetics/Laboratory Corporation of America, LabCorp).

NM_000088.4(COL1A1):c.125A>G (p.Gln42Arg)

Gene: COL1A1 (collagen type I alpha 1 chain; minus strand). Cytogenetic location: 17q21.33.
Variant type: single nucleotide variant.
Coding change: c.125A>G on transcript NM_000088.4 (MANE Select); coding-DNA position 125, A replaced by G.
Protein change: p.Gln42Arg; replaces glutamine 42 with arginine.
Molecular consequence: missense variant.
Genome position (GRCh38, 1-based): chr17:50,199,926, T>C on the plus strand (A>G on the coding strand, the complement: COL1A1 is on the minus strand). VCF-style: chr17-50199926-T-C. GRCh37 (hg19) VCF-style: chr17-48277287-T-C.
Other names: short protein forms Q42R.
Identifiers: ClinVar variation 658410 (VCV000658410.19), dbSNP rs367643097, ClinGen allele CA8645826.